The following is an entry in ClinVar:

NM_033056.4(PCDH15):c.5420C>A (p.Thr1807Lys)

Gene: PCDH15 (protocadherin related 15; minus strand). Cytogenetic location: 10q21.1.
Variant type: single nucleotide variant.
Coding change: c.5420C>A on transcript NM_033056.4 (MANE Plus Clinical); coding-DNA position 5420, C replaced by A.
Protein change: p.Thr1807Lys; replaces threonine 1807 with lysine.
Molecular consequence: missense variant. On other transcripts: intron variant (8).
Genome position (GRCh38, 1-based): chr10:53,822,306, G>T on the plus strand (C>A on the coding strand, the complement: PCDH15 is on the minus strand). VCF-style: chr10-53822306-G-T. GRCh37 (hg19) VCF-style: chr10-55582066-G-T.
Other names: c.5213C>A, p.Thr1738Lys (NM_001142765.2); c.5411C>A, p.Thr1804Lys (NM_001142766.2); c.5300C>A, p.Thr1767Lys (NM_001142767.2); c.5360C>A, p.Thr1787Lys (NM_001142768.2); c.5351C>A, p.Thr1784Lys (NM_001142773.2); c.5354C>A, p.Thr1785Lys (NM_001354404.2); c.4367+5087C>A (NM_001354420.2); c.4368-4293C>A (NM_001354429.2); and 7 more; short protein forms T1738K, T1767K, T1784K, T1785K, T1787K, T1804K, T1807K, T1809K.
Identifiers: ClinVar variation 1019275 (VCV001019275.8), dbSNP rs2076328131, ClinGen allele CA376524986.

ClinVar aggregate classification (germline): Uncertain significance (1 of 4 stars; one submission).

Submission:

Labcorp Genetics (formerly Invitae), Labcorp
Classification: Uncertain significance. Last evaluated: 2023-05-08. Review status: criteria provided, single submitter. Criteria: Invitae Variant Classification Sherloc (09022015). Collection method: clinical testing. Allele origin: germline.
Comment: Experimental studies and prediction algorithms are not available or were not evaluated, and the functional significance of this variant is currently unknown. In summary, the available evidence is currently insufficient to determine the role of this variant in disease. Therefore, it has been classified as a Variant of Uncertain Significance. This sequence change replaces threonine, which is neutral and polar, with lysine, which is basic and polar, at codon 1807 of the PCDH15 protein (p.Thr1807Lys). ClinVar contains an entry for this variant (Variation ID: 1019275). This variant has not been reported in the literature in individuals affected with PCDH15-related conditions. This variant is not present in population databases (gnomAD no frequency).